The following is an entry in ClinVar:

ClinVar aggregate classification (germline): Pathogenic (1 of 4 stars; one submission).

Conditions:
Fetal anomalies with a likely genetic cause.

Submission:

Genetics Laboratory, Great Ormond Street Hospital NHS Foundation Trust, North Thames Genomic Laboratory Hub
Classification: Pathogenic for Fetal anomalies with a likely genetic cause. Last evaluated: 2026-06-24. Review status: criteria provided, single submitter. Criteria: ACGS Best Practice Guidelines for Variant Classification in Rare Disease 2024 v1.2. Collection method: clinical testing. Allele origin: germline. Affected: yes.
Comment: PM2_moderate, PVS1_very-strong

NM_001009944.3(PKD1):c.11366dup (p.His3789fs)

Genes: PKD1 (polycystin 1, transient receptor potential channel interacting; minus strand), PKD1-AS1 (PKD1 antisense RNA 1; plus strand). Cytogenetic location: 16p13.3.
Variant type: Duplication.
Coding change: c.11366dup on transcript NM_001009944.3 (MANE Select); coding-DNA position 11366, one base duplicated (A; older notation c.11366dupA).
Protein change: p.His3789fs; shifts the reading frame from histidine 3789.
Molecular consequence: frameshift variant.
Genome position (GRCh38, 1-based): chr16:2,092,092, T duplicated on the plus strand (A on the coding strand, the reverse complement: PKD1 is on the minus strand). VCF-style (leftmost placement, unchanged base first): chr16-2092091-G-GT. GRCh37 (hg19) VCF-style: chr16-2142092-G-GT.
Other names: c.11363dup, p.His3788fs (NM_000296.4); short protein forms H3788fs, H3789fs.
Identifiers: ClinVar variation 4886770 (VCV004886770.1).
Genomic context (GRCh38, chr16:2,092,091, plus strand): 5'-CCCTCGCTCTGCTCACCCCAGCAGATCCGGCGCTGAATAGGCCCACGTCCCCGAGCCATT[G>GT]TGAGGACTCTCCCAGCCAACGTCGTAATCGCTGGTGCTGAAGCCTCCTGCGGCCGAGCAC-3'